The following is an entry in ClinVar:

NM_001018113.3(FANCB):c.2000A>C (p.Tyr667Ser)

Gene: FANCB (FA complementation group B; minus strand). Cytogenetic location: Xp22.2.
Variant type: single nucleotide variant.
Coding change: c.2000A>C on transcript NM_001018113.3 (MANE Select); coding-DNA position 2000, A replaced by C.
Protein change: p.Tyr667Ser; replaces tyrosine 667 with serine.
Molecular consequence: missense variant.
Genome position (GRCh38, 1-based): chrX:14,844,668, T>G on the plus strand (A>C on the coding strand, the complement: FANCB is on the minus strand). VCF-style: chrX-14844668-T-G. GRCh37 (hg19) VCF-style: chrX-14862790-T-G.
Other names: c.2000A>C, p.Tyr667Ser (NM_001324162.2, NM_001410764.1, NM_152633.4); short protein forms Y667S.
Identifiers: ClinVar variation 2881885 (VCV002881885.3), dbSNP rs745346114, ClinGen allele CA412438883.

ClinVar aggregate classification (germline): Uncertain significance (1 of 4 stars; one submission).

Conditions:
Fanconi anemia (FA). Also called: Fanconi's anemia. Identifiers: Orphanet 84, MedGen C0015625, MeSH D005199, MONDO:0019391.

Submission:

Labcorp Genetics (formerly Invitae), Labcorp
Classification: Uncertain significance for Fanconi anemia. Last evaluated: 2023-04-22. Review status: criteria provided, single submitter. Criteria: Invitae Variant Classification Sherloc (09022015). Collection method: clinical testing. Allele origin: germline.
Comment: Advanced modeling of protein sequence and biophysical properties (such as structural, functional, and spatial information, amino acid conservation, physicochemical variation, residue mobility, and thermodynamic stability) performed at Invitae indicates that this missense variant is not expected to disrupt FANCB protein function. In summary, the available evidence is currently insufficient to determine the role of this variant in disease. Therefore, it has been classified as a Variant of Uncertain Significance. This variant has not been reported in the literature in individuals affected with FANCB-related conditions. This sequence change replaces tyrosine, which is neutral and polar, with serine, which is neutral and polar, at codon 667 of the FANCB protein (p.Tyr667Ser). This variant is not present in population databases (gnomAD no frequency).